The following is an entry in ClinVar:

NM_004092.4(ECHS1):c.38G>A (p.Gly13Asp)

Genes: ECHS1 (enoyl-CoA hydratase, short chain 1; minus strand), LOC130005023 (ATAC-STARR-seq lymphoblastoid silent region 2977; plus strand). Cytogenetic location: 10q26.3.
Variant type: single nucleotide variant.
Coding change: c.38G>A on transcript NM_004092.4 (MANE Select); coding-DNA position 38, G replaced by A.
Protein change: p.Gly13Asp; replaces glycine 13 with aspartic acid.
Molecular consequence: missense variant.
Genome position (GRCh38, 1-based): chr10:133,373,296, C>T on the plus strand (G>A on the coding strand, the complement: ECHS1 is on the minus strand). VCF-style: chr10-133373296-C-T. GRCh37 (hg19) VCF-style: chr10-135186800-C-T.
Other names: short protein forms G13D.
Identifiers: ClinVar variation 1908013 (VCV001908013.3), dbSNP rs779720008, ClinGen allele CA5765907.
Genomic context (GRCh38, chr10:133,373,296, plus strand): 5'-GCGCACTCACCCGAGGCGAAGGGACGCCAGGCGGGACAGCGAACCGGGGGCCTCAGCGGG[C>T]CGCGGACGCAGGACAGCAGGACACGCAGGGCGGCCATGGCTCTCTGGACTCCTCGCCCGG-3'
Protein context (NP_004083.3, residues 3-23): ALRVLLSCVR[Gly13Asp]PLRPPVRCPA

ClinVar aggregate classification (germline): Uncertain significance. Review status: criteria provided, multiple submitters, no conflicts (2 of 4 stars). 2 submissions from 2 submitters: Uncertain significance (2). Last evaluated 2022-08-21.

Conditions:
Inborn genetic diseases. Identifiers: MedGen C0950123, MeSH D030342.

Allele frequency attached by ClinVar (database versions not stated): gnomAD 0.00001; TOPMed 0.00001; ExAC 0.00014.
gnomAD v4.1: 4 of 1,486,638 alleles (0.00027%); highest among the groups gnomAD compares: Admixed American, 0.0091%; no homozygotes.

Submissions (2):

Labcorp Genetics (formerly Invitae), Labcorp
Classification: Uncertain significance. Last evaluated: 2022-08-21. Review status: criteria provided, single submitter. Criteria: Invitae Variant Classification Sherloc (09022015). Collection method: clinical testing. Allele origin: germline.
Comment: This sequence change replaces glycine, which is neutral and non-polar, with aspartic acid, which is acidic and polar, at codon 13 of the ECHS1 protein (p.Gly13Asp). The frequency data for this variant in the population databases is considered unreliable, as metrics indicate poor data quality at this position in the gnomAD database. This variant has not been reported in the literature in individuals affected with ECHS1-related conditions. Advanced modeling of protein sequence and biophysical properties (such as structural, functional, and spatial information, amino acid conservation, physicochemical variation, residue mobility, and thermodynamic stability) performed at Invitae indicates that this missense variant is not expected to disrupt ECHS1 protein function. In summary, the available evidence is currently insufficient to determine the role of this variant in disease. Therefore, it has been classified as a Variant of Uncertain Significance.

Ambry Genetics
Classification: Uncertain significance for Inborn genetic diseases. Last evaluated: 2022-04-13. Review status: criteria provided, single submitter. Criteria: Ambry Variant Classification Scheme 2023. Collection method: clinical testing. Allele origin: germline.